The following is an entry in ClinVar:

ClinVar aggregate classification (germline): Likely pathogenic (1 of 4 stars; one submission).

Conditions:
Cornelia de Lange syndrome 3 (CDLS3). Also called: SMC3-Related Cornelia de Lange Syndrome; CORNELIA DE LANGE SYNDROME 3 WITH OR WITHOUT MIDLINE BRAIN DEFECTS. Identifiers: Orphanet 199, MedGen C1853099, MONDO:0012555, OMIM 610759.

Submission:

Labcorp Genetics (formerly Invitae), Labcorp
Classification: Likely pathogenic for Cornelia de Lange syndrome 3. Last evaluated: 2020-05-09. Review status: criteria provided, single submitter. Criteria: Invitae Variant Classification Sherloc (09022015). Collection method: clinical testing. Allele origin: germline.
Comment: This variant is not present in population databases (ExAC no frequency). This sequence change replaces arginine with histidine at codon 634 of the SMC3 protein (p.Arg634His). The arginine residue is highly conserved and there is a small physicochemical difference between arginine and histidine. This variant has been observed in individual(s) with clinical features of Cornelia de Lange syndrome (Invitae). In at least one individual the variant was observed to be de novo. In summary, the currently available evidence indicates that the variant is pathogenic, but additional data are needed to prove that conclusively. Therefore, this variant has been classified as Likely Pathogenic. Algorithms developed to predict the effect of missense changes on protein structure and function are either unavailable or do not agree on the potential impact of this missense change (SIFT: "Deleterious"; PolyPhen-2: "Probably Damaging"; Align-GVGD: "Class C0").

NM_005445.4(SMC3):c.1901G>A (p.Arg634His)

Gene: SMC3 (structural maintenance of chromosomes 3; plus strand). Cytogenetic location: 10q25.2.
Variant type: single nucleotide variant.
Coding change: c.1901G>A on transcript NM_005445.4 (MANE Select); coding-DNA position 1901, G replaced by A.
Protein change: p.Arg634His; replaces arginine 634 with histidine.
Molecular consequence: missense variant.
Genome position (GRCh38, 1-based): chr10:110,593,161, G>A. VCF-style: chr10-110593161-G-A. GRCh37 (hg19) VCF-style: chr10-112352919-G-A.
Other names: short protein forms R634H.
Identifiers: ClinVar variation 1067573 (VCV001067573.11), dbSNP rs2134740210, ClinGen allele CA378390463.
Genomic context (GRCh38, chr10:110,593,161, plus strand): 5'-GGTACAATCCCAGATTTGACAAAGCTTTCAAACATGTGTTTGGAAAGACTCTTATTTGTC[G>A]TAGCATGGAAGTTTCAACCCAGCTGGCCCGTGCTTTCACTATGGACTGTATTACTTTGGA-3'
Protein context (NP_005436.1, residues 624-644): KHVFGKTLIC[Arg634His]SMEVSTQLAR